The following is an entry in ClinVar:

ClinVar aggregate classification (germline): Pathogenic (1 of 4 stars; one submission).

Conditions:
Spondyloenchondrodysplasia with immune dysregulation (SPENCDI). Also called: SPONDYLOENCHONDRODYSPLASIA WITH OR WITHOUT IMMUNE DYSREGULATION; COMBINED IMMUNODEFICIENCY WITH AUTOIMMUNITY AND SPONDYLOMETAPHYSEAL DYSPLASIA; ROIFMAN IMMUNOSKELETAL SYNDROME. Identifiers: Orphanet 1855, MedGen C1842763, MONDO:0011939, OMIM 607944.

Submission:

Labcorp Genetics (formerly Invitae), Labcorp
Classification: Pathogenic for Spondyloenchondrodysplasia with immune dysregulation. Last evaluated: 2022-10-19. Review status: criteria provided, single submitter. Criteria: Invitae Variant Classification Sherloc (09022015). Collection method: clinical testing. Allele origin: germline.
Comment: A gross deletion of the genomic region encompassing the full coding sequence of the ACP5 gene has been identified. Loss-of-function variants in ACP5 are known to be pathogenic (PMID: 21217752, 21217755). The boundaries of this event are unknown as they extend beyond the assayed region for this gene and therefore may encompass additional genes. A similar copy number variant has been observed in individual(s) with clinical features of spondyloenchondrodysplasia with immune dysregulation (SPENCD) (PMID: 21217755). For these reasons, this variant has been classified as Pathogenic.

Literature cited by the submitters: PubMed 21217752; PubMed 21217755.

NC_000019.9:g.(?_11685825)_(11688132_?)del

Gene: ACP5 (acid phosphatase 5, tartrate resistant; minus strand). Cytogenetic location: 19p13.2.
Variant type: Deletion.
Identifiers: ClinVar variation 2423723 (VCV002423723.4).